The following is an entry in ClinVar:

NM_001035.3(RYR2):c.7222-291G>A

Gene: RYR2 (ryanodine receptor 2; plus strand). Cytogenetic location: 1q43.
Variant type: single nucleotide variant.
Coding change: c.7222-291G>A on transcript NM_001035.3 (MANE Select); 291 bases into the intron before coding-DNA position 7222, G replaced by A.
Molecular consequence: intron variant.
Genome position (GRCh38, 1-based): chr1:237,643,036, G>A. VCF-style: chr1-237643036-G-A. GRCh37 (hg19) VCF-style: chr1-237806336-G-A.
Identifiers: ClinVar variation 669014 (VCV000669014.1), dbSNP rs6429033, ClinGen allele CA10934859.

ClinVar aggregate classification (germline): Benign (1 of 4 stars; one submission).

Allele frequency attached by ClinVar (database versions not stated): 1000 Genomes Project 30x 0.32839; 1000 Genomes Project 0.33147; gnomAD 0.34958 and 0.35480; TOPMed 0.35079.
gnomAD v4.1: 53,188 of 152,016 alleles (35%); highest among the groups gnomAD compares: African/African-American, 44%; 9,629 homozygotes.

Submission:

GeneDx
Classification: Benign. Last evaluated: 2018-06-18. Review status: criteria provided, single submitter. Criteria: GeneDx Variant Classification (06012015). Collection method: clinical testing. Allele origin: germline. Affected: yes.
Comment: This variant is considered likely benign or benign based on one or more of the following criteria: it is a conservative change, it occurs at a poorly conserved position in the protein, it is predicted to be benign by multiple in silico algorithms, and/or has population frequency not consistent with disease.